The following is an entry in ClinVar:

NM_000512.5(GALNS):c.405C>G (p.Ser135Arg)

Gene: GALNS (galactosamine (N-acetyl)-6-sulfatase; minus strand). Cytogenetic location: 16q24.3.
Variant type: single nucleotide variant.
Coding change: c.405C>G on transcript NM_000512.5 (MANE Select); coding-DNA position 405, C replaced by G.
Protein change: p.Ser135Arg; replaces serine 135 with arginine.
Molecular consequence: missense variant. On other transcripts: 5 prime UTR variant (1).
Genome position (GRCh38, 1-based): chr16:88,841,009, G>C on the plus strand (C>G on the coding strand, the complement: GALNS is on the minus strand). VCF-style: chr16-88841009-G-C. GRCh37 (hg19) VCF-style: chr16-88907417-G-C.
Other names: c.-151C>G (NM_001323543.2); c.423C>G, p.Ser141Arg (NM_001323544.2); short protein forms S135R, S141R.
Identifiers: ClinVar variation 1048278 (VCV001048278.3), dbSNP rs2143004605, ClinGen allele CA397087707.

ClinVar aggregate classification (germline): Uncertain significance (1 of 4 stars; one submission).

Conditions:
Mucopolysaccharidosis, MPS-IV-A (MPS4A). Also called: Mucopolysaccharidosis type IV A; Mucopolysaccharidosis Type IVA; Morquio syndrome A, mild; MORQUIO SYNDROME A; MPS IVA; mucopolysaccharidosis type 4A. Identifiers: Orphanet 309297, Orphanet 582, MedGen C0086651, MONDO:0009659, OMIM 253000.

Submission:

Laboratory of Diagnosis and Therapy of Lysosomal Disorders, University of Padova
Classification: Uncertain significance for Mucopolysaccharidosis, MPS-IV-A. Last evaluated: 2021-02-01. Review status: criteria provided, single submitter. Criteria: ACMG Guidelines, 2015. Collection method: curation. Allele origin: germline. Affected: yes.
Comment: Absent from gnomAD v2.1.1 (PM2_moderate)

Literature cited by the submitters: PubMed 9521421; PubMed 34387910.